The following is an entry in ClinVar:

ClinVar aggregate classification (germline): Uncertain significance (1 of 4 stars; one submission).

Conditions:
Familial cancer of breast. Also called: hereditary breast carcinoma; BREAST CANCER, FAMILIAL; Hereditary breast cancer. Identifiers: Orphanet 227535, MedGen C0346153, MONDO:0016419, OMIM 114480. Disease mechanism: loss of function.

Submission:

Labcorp Genetics (formerly Invitae), Labcorp
Classification: Uncertain significance for Familial cancer of breast. Last evaluated: 2025-02-27. Review status: criteria provided, single submitter. Criteria: Invitae Variant Classification Sherloc (09022015). Collection method: clinical testing. Allele origin: germline.
Comment: This sequence change replaces tryptophan, which is neutral and slightly polar, with leucine, which is neutral and non-polar, at codon 485 of the CHEK2 protein (p.Trp485Leu). This variant is not present in population databases (gnomAD no frequency). This variant has not been reported in the literature in individuals affected with CHEK2-related conditions. An algorithm developed to predict the effect of missense changes on protein structure and function (PolyPhen-2) suggests that this variant is likely to be disruptive. In summary, the available evidence is currently insufficient to determine the role of this variant in disease. Therefore, it has been classified as a Variant of Uncertain Significance.

NM_007194.4(CHEK2):c.1454G>T (p.Trp485Leu)

Gene: CHEK2 (checkpoint kinase 2; minus strand). Cytogenetic location: 22q12.1.
Variant type: single nucleotide variant.
Coding change: c.1454G>T on transcript NM_007194.4 (MANE Select); coding-DNA position 1454, G replaced by T.
Protein change: p.Trp485Leu; replaces tryptophan 485 with leucine.
Molecular consequence: missense variant.
Genome position (GRCh38, 1-based): chr22:28,694,039, C>A on the plus strand (G>T on the coding strand, the complement: CHEK2 is on the minus strand). VCF-style: chr22-28694039-C-A. GRCh37 (hg19) VCF-style: chr22-29090027-C-A.
Other names: c.1583G>T, p.Trp528Leu (NM_001005735.3); c.791G>T, p.Trp264Leu (NM_001257387.3, NM_001437942.1); c.1253G>T, p.Trp418Leu (NM_001349956.3); c.1547G>T, p.Trp516Leu (NM_001438293.1); c.1496G>T, p.Trp499Leu (NM_001438294.1); c.1460G>T, p.Trp487Leu (NM_001438295.1); c.1367G>T, p.Trp456Leu (NM_145862.3); short protein forms W264L, W487L, W516L, W418L, W456L, W485L, W528L, W499L.
Identifiers: ClinVar variation 4714017 (VCV004714017.1).